The following is an entry in ClinVar:

ClinVar aggregate classification (germline): Likely benign (1 of 4 stars; one submission).

gnomAD v4.1: 215 of 1,611,588 alleles (0.013%); highest among the groups gnomAD compares: Non-Finnish European, 0.016%; no homozygotes.

Submission:

CeGaT Center for Human Genetics Tuebingen
Classification: Likely benign. Last evaluated: 2026-09-01. Review status: criteria provided, single submitter. Criteria: CeGaT Center For Human Genetics Tuebingen Variant Classification Criteria Version 2. Collection method: clinical testing. Allele origin: germline. Affected: yes. Observed: 1 variant allele.
Comment: PRR12: BP4, BP7

NM_020719.3(PRR12):c.762C>T (p.Ala254=)

Gene: PRR12 (proline rich 12; plus strand). Cytogenetic location: 19q13.33.
Variant type: single nucleotide variant.
Coding change: c.762C>T on transcript NM_020719.3 (MANE Select); coding-DNA position 762, C replaced by T.
Protein change: p.Ala254=; no amino-acid change (alanine 254 retained).
Molecular consequence: synonymous variant.
Genome position (GRCh38, 1-based): chr19:49,595,097, C>T. VCF-style: chr19-49595097-C-T. GRCh37 (hg19) VCF-style: chr19-50098354-C-T.
Identifiers: ClinVar variation 5040926 (VCV005040926.1).
Genomic context (GRCh38, chr19:49,595,097, plus strand): 5'-ACCACCACCTCCTCGCCACCTCCCAACTCAGTTCAACCTGCTGGCTTCCTCTTCCGCTGC[C>T]GCCGCCGCTGCCGAGCAGTCCTCCCCACAGCTCTATAACTTCTCGGGTGCTGCCCCGGGC-3'
Protein context (NP_065770.1, residues 244-264): QFNLLASSSA[Ala254=]AAAAEQSSPQ